The following is an entry in ClinVar:

NM_000455.5(STK11):c.-577C>T

Gene: STK11 (serine/threonine kinase 11; plus strand). Cytogenetic location: 19p13.3.
Variant type: single nucleotide variant.
Coding change: c.-577C>T on transcript NM_000455.5 (MANE Select); 577 bases upstream of the start codon, C replaced by T.
Molecular consequence: 5 prime UTR variant.
Genome position (GRCh38, 1-based): chr19:1,206,337, C>T. VCF-style: chr19-1206337-C-T. GRCh37 (hg19) VCF-style: chr19-1206336-C-T.
Identifiers: ClinVar variation 328209 (VCV000328209.6), dbSNP rs560480063, ClinGen allele CA10642264.

ClinVar aggregate classification (germline): Benign. Review status: criteria provided, multiple submitters, no conflicts (2 of 4 stars). 2 submissions from 2 submitters: Benign (2). Last evaluated 2018-01-13.

Conditions:
Peutz-Jeghers syndrome (PJS). Also called: POLYPOSIS, HAMARTOMATOUS INTESTINAL; POLYPS-AND-SPOTS SYNDROME; Peutz-Jeghers polyposis; Periorificial lentiginosis syndrome. Identifiers: Orphanet 2869, MedGen C0031269, MeSH D010580, MONDO:0008280, OMIM 175200.

Allele frequency attached by ClinVar (database versions not stated): gnomAD exomes 0.00053; TOPMed 0.00194; gnomAD 0.00201 and 0.00210; 1000 Genomes Project 30x 0.00250; 1000 Genomes Project 0.00260.

Submissions (2):

Illumina Laboratory Services, Illumina
Classification: Benign for Peutz-Jeghers syndrome. Last evaluated: 2018-01-13. Review status: criteria provided, single submitter. Criteria: ICSL Variant Classification Criteria 13 December 2019. Collection method: clinical testing. Allele origin: germline.
Comment: This variant was observed in the ICSL laboratory as part of a predisposition screen in an ostensibly healthy population. It had not been previously curated by ICSL or reported in the Human Gene Mutation Database (HGMD: prior to June 1st, 2018), and was therefore a candidate for classification through an automated scoring system. Utilizing variant allele frequency, disease prevalence and penetrance estimates, and inheritance mode, an automated score was calculated to assess if this variant is too frequent to cause the disease. Based on the score and internal cut-off values, a variant classified as benign is not then subjected to further curation. The score for this variant resulted in a classification of benign for this disease.

Breakthrough Genomics
Classification: Benign. Review status: criteria provided, single submitter. Criteria: ACMG Guidelines, 2015. Collection method: not provided. Allele origin: germline. Inheritance: Autosomal dominant inheritance. Affected: yes.